The following is an entry in ClinVar:

NM_006231.4(POLE):c.6538G>T (p.Ala2180Ser)

Gene: POLE (DNA polymerase epsilon, catalytic subunit; minus strand). Cytogenetic location: 12q24.33.
Variant type: single nucleotide variant.
Coding change: c.6538G>T on transcript NM_006231.4 (MANE Select); coding-DNA position 6538, G replaced by T.
Protein change: p.Ala2180Ser; replaces alanine 2180 with serine.
Molecular consequence: missense variant.
Genome position (GRCh38, 1-based): chr12:132,625,764, C>A on the plus strand (G>T on the coding strand, the complement: POLE is on the minus strand). VCF-style: chr12-132625764-C-A. GRCh37 (hg19) VCF-style: chr12-133202350-C-A.
Other names: short protein forms A2180S.
Identifiers: ClinVar variation 3693739 (VCV003693739.2).

ClinVar aggregate classification (germline): Uncertain significance (1 of 4 stars; one submission).

Submission:

Labcorp Genetics (formerly Invitae), Labcorp
Classification: Uncertain significance. Last evaluated: 2024-06-13. Review status: criteria provided, single submitter. Criteria: Invitae Variant Classification Sherloc (09022015). Collection method: clinical testing. Allele origin: germline.
Comment: This sequence change replaces alanine, which is neutral and non-polar, with serine, which is neutral and polar, at codon 2180 of the POLE protein (p.Ala2180Ser). This variant is not present in population databases (gnomAD no frequency). This variant has not been reported in the literature in individuals affected with POLE-related conditions. Algorithms developed to predict the effect of missense changes on protein structure and function output the following: SIFT: "Not Available"; PolyPhen-2: "Benign"; Align-GVGD: "Not Available". The serine amino acid residue is found in multiple mammalian species, which suggests that this missense change does not adversely affect protein function. In summary, the available evidence is currently insufficient to determine the role of this variant in disease. Therefore, it has been classified as a Variant of Uncertain Significance.